The following is an entry in ClinVar:

NM_007194.4(CHEK2):c.269del (p.Pro90fs)

Gene: CHEK2 (checkpoint kinase 2; minus strand). Cytogenetic location: 22q12.1.
Variant type: Deletion.
Coding change: c.269del on transcript NM_007194.4 (MANE Select); coding-DNA position 269, one base deleted (C; older notation c.269delC).
Protein change: p.Pro90fs; shifts the reading frame from proline 90.
Molecular consequence: frameshift variant.
Genome position (GRCh38, 1-based): chr22:28,734,453, G deleted on the plus strand (C on the coding strand, the reverse complement: CHEK2 is on the minus strand); the first of 4 consecutive G bases (chr22:28,734,453-28,734,456); deleting any one gives the same sequence. VCF-style (leftmost placement, unchanged base first): chr22-28734452-AG-A. GRCh37 (hg19) VCF-style: chr22-29130440-AG-A.
Other names: c.266delC, p.Pro90Leufs (NM_001005735.3, NM_001349956.3, NM_145862.3); c.-512delC (NM_001257387.3); short protein forms P90fs.
Identifiers: ClinVar variation 664385 (VCV000664385.12), dbSNP rs1555932231, ClinGen allele CA915952747.

ClinVar aggregate classification (germline): Pathogenic. Review status: criteria provided, multiple submitters, no conflicts (2 of 4 stars). 2 submissions from 2 submitters: Pathogenic (2). Last evaluated 2023-05-23.

Conditions:
Hereditary cancer-predisposing syndrome. Also called: Tumor predisposition; Hereditary neoplastic syndrome; Neoplastic Syndromes, Hereditary; Hereditary Cancer Syndrome. Identifiers: Orphanet 140162, MedGen C0027672, MeSH D009386, MONDO:0015356.
Familial cancer of breast. Also called: BREAST CANCER, FAMILIAL; hereditary breast carcinoma; Hereditary breast cancer. Identifiers: Orphanet 227535, MedGen C0346153, MONDO:0016419, OMIM 114480. Disease mechanism: loss of function.

Submissions (2):

Ambry Genetics
Classification: Pathogenic for Hereditary cancer-predisposing syndrome. Last evaluated: 2023-05-23. Review status: criteria provided, single submitter. Criteria: Ambry Variant Classification Scheme 2023. Collection method: clinical testing. Allele origin: germline.
Comment: The c.269delC pathogenic mutation, located in coding exon 1 of the CHEK2 gene, results from a deletion of one nucleotide at nucleotide position 269, causing a translational frameshift with a predicted alternate stop codon (p.P90Lfs*20). This variant is considered to be rare based on population cohorts in the Genome Aggregation Database (gnomAD). This alteration is expected to result in loss of function by premature protein truncation or nonsense-mediated mRNA decay. As such, this alteration is interpreted as a disease-causing mutation.

Labcorp Genetics (formerly Invitae), Labcorp
Classification: Pathogenic for Familial cancer of breast. Last evaluated: 2020-10-05. Review status: criteria provided, single submitter. Criteria: Invitae Variant Classification Sherloc (09022015). Collection method: clinical testing. Allele origin: germline.
Comment: For these reasons, this variant has been classified as Pathogenic. Loss-of-function variants in CHEK2 are known to be pathogenic (PMID: 21876083, 24713400). This variant has not been reported in the literature in individuals with CHEK2-related conditions. ClinVar contains an entry for this variant (Variation ID: 664385). This variant is not present in population databases (ExAC no frequency). This sequence change creates a premature translational stop signal (p.Pro90Leufs*20) in the CHEK2 gene. It is expected to result in an absent or disrupted protein product.

Literature cited by the submitters: PubMed 21876083 (cited by Labcorp Genetics (formerly Invitae), Labcorp); PubMed 24713400 (cited by Labcorp Genetics (formerly Invitae), Labcorp).